The following is an entry in ClinVar:

ClinVar aggregate classification (germline): Likely benign. Review status: criteria provided, multiple submitters, no conflicts (2 of 4 stars). 3 submissions from 3 submitters: Likely benign (2). 1 of the submissions does not count toward it. Last evaluated 2024-12-30.

Conditions:
ENO3-related disorder. Also called: ENO3-related condition.
Glycogen storage disease due to muscle beta-enolase deficiency (GSD13). Also called: Glycogen Storage Disease Type XIII; ENOLASE 3 DEFICIENCY; ENOLASE-BETA DEFICIENCY; GSD XIII. Identifiers: Orphanet 99849, MedGen C2752027, MONDO:0013046, OMIM 612932.

Allele frequency attached by ClinVar (database versions not stated): gnomAD 0.00001 and 0.00002; TOPMed 0.00002; gnomAD exomes 0.00005 and 0.00010; ExAC 0.00013; 1000 Genomes Project 30x 0.00016; 1000 Genomes Project 0.00020.

Submissions (3):

Labcorp Genetics (formerly Invitae), Labcorp
Classification: Likely benign for Glycogen storage disease due to muscle beta-enolase deficiency. Last evaluated: 2024-12-30. Review status: criteria provided, single submitter. Criteria: Invitae Variant Classification Sherloc (09022015). Collection method: clinical testing. Allele origin: germline.

GeneDx
Classification: Likely benign. Last evaluated: 2018-01-04. Review status: criteria provided, single submitter. Criteria: GeneDx Variant Classification (06012015). Collection method: clinical testing. Allele origin: germline. Affected: yes.
Comment: This variant is considered likely benign or benign based on one or more of the following criteria: it is a conservative change, it occurs at a poorly conserved position in the protein, it is predicted to be benign by multiple in silico algorithms, and/or has population frequency not consistent with disease.

PreventionGenetics, part of Exact Sciences
Classification: Likely benign for ENO3-related condition. Last evaluated: 2019-11-18. Review status: no assertion criteria provided. Collection method: clinical testing. Allele origin: germline. Not counted in ClinVar's aggregate classification.
Comment: This variant is classified as likely benign based on ACMG/AMP sequence variant interpretation guidelines (Richards et al. 2015 PMID: 25741868, with internal and published modifications).

NM_053013.4(ENO3):c.444+9A>G

Gene: ENO3 (enolase 3; plus strand). Cytogenetic location: 17p13.2.
Variant type: single nucleotide variant.
Coding change: c.444+9A>G on transcript NM_053013.4 (MANE Select); 9 bases into the intron after coding-DNA position 444, A replaced by G.
Molecular consequence: intron variant.
Genome position (GRCh38, 1-based): chr17:4,953,854, A>G. VCF-style: chr17-4953854-A-G. GRCh37 (hg19) VCF-style: chr17-4857149-A-G.
Other names: c.444+9A>G (NM_001976.5); c.315+9A>G (NM_001193503.2).
Identifiers: ClinVar variation 514212 (VCV000514212.11), dbSNP rs567523833, ClinGen allele CA8316297.